The following is an entry in ClinVar:

NM_032119.4(ADGRV1):c.17441C>T (p.Thr5814Ile)

Gene: ADGRV1 (adhesion G protein-coupled receptor V1; plus strand). Cytogenetic location: 5q14.3.
Variant type: single nucleotide variant.
Coding change: c.17441C>T on transcript NM_032119.4 (MANE Select); coding-DNA position 17441, C replaced by T.
Protein change: p.Thr5814Ile; replaces threonine 5814 with isoleucine.
Molecular consequence: missense variant. On other transcripts: non-coding transcript variant (1).
Genome position (GRCh38, 1-based): chr5:90,853,520, C>T. VCF-style: chr5-90853520-C-T. GRCh37 (hg19) VCF-style: chr5-90149337-C-T.
Other names: short protein forms T5814I.
Identifiers: ClinVar variation 1321078 (VCV001321078.2), dbSNP rs766106265, ClinGen allele CA3342361.
Genomic context (GRCh38, chr5:90,853,520, plus strand): 5'-TAGTCCAGTTTACAGAGTATAGCAGCCAACAGTGGTTTATAAGTGGAAACAATCTTCCTA[C>T]CCTAAAAAATAAGGTAATCTTTCATTCAAAACACTTATGTGGTTGGAATCTGATTTATTT-3'
Protein context (NP_115495.3, residues 5804-5824): QWFISGNNLP[Thr5814Ile]LKNKVLSLSV

ClinVar aggregate classification (germline): Uncertain significance (1 of 4 stars; one submission).

Allele frequency attached by ClinVar (database versions not stated): TOPMed below 0.00001; ExAC 0.00001; gnomAD exomes below 0.00001.
gnomAD v4.1: 3 of 1,609,746 alleles (0.00019%); highest among the groups gnomAD compares: Admixed American, 0.0034%; no homozygotes.

Submission:

GeneDx
Classification: Uncertain significance. Last evaluated: 2021-10-01. Review status: criteria provided, single submitter. Criteria: GeneDx Variant Classification Process June 2021. Collection method: clinical testing. Allele origin: germline. Affected: yes.
Comment: Not observed at significant frequency in large population cohorts (Lek et al., 2016); In silico analysis supports that this missense variant does not alter protein structure/function; Has not been previously published as pathogenic or benign to our knowledge